The following is an entry in ClinVar:

ClinVar aggregate classification (germline): Benign/Likely benign. Review status: criteria provided, multiple submitters, no conflicts (2 of 4 stars). 13 submissions from 13 submitters: Benign (2); Likely benign (8). 3 of the submissions do not count toward it. Last evaluated 2026-06-08.

Conditions:
TPM1-related disorder. Also called: TPM1-related condition.
Cardiovascular phenotype. Identifiers: MedGen CN230736.
Cardiomyopathy (CMYO). Also called: Cardiomyopathies. Identifiers: Orphanet 167848, MedGen C0878544, MONDO:0004994, HP:0001638. Inheritance: Various modes of inheritance.
Hypertrophic cardiomyopathy. Also called: HYPERTROPHIC MYOCARDIOPATHY. Identifiers: Orphanet 217569, MedGen C0007194, MeSH D002312, MONDO:0005045, HP:0001639.

Allele frequency attached by ClinVar (database versions not stated): ExAC 0.00011; gnomAD 0.00011; gnomAD exomes 0.00012 and 0.00028; TOPMed 0.00015; ESP Exome Variant Server 0.00023.
gnomAD v4.1: 444 of 1,614,086 alleles (0.028%); highest among the groups gnomAD compares: Non-Finnish European, 0.034%; 1 homozygote.

Submissions (13):

Women's Health and Genetics/Laboratory Corporation of America, LabCorp
Classification: Benign. Last evaluated: 2026-06-08. Review status: criteria provided, single submitter. Criteria: LabCorp Variant Classification Summary - May 2015. Collection method: clinical testing. Allele origin: germline.

Molecular Diagnostic Laboratory for Inherited Cardiovascular Disease, Montreal Heart Institute
Classification: Likely benign. Last evaluated: 2026-03-27. Review status: criteria provided, single submitter. Criteria: ACMG Guidelines, 2015. Collection method: clinical testing. Allele origin: germline. Affected: no.
Comment: BS1;BP7

Labcorp Genetics (formerly Invitae), Labcorp
Classification: Likely benign for Hypertrophic cardiomyopathy. Last evaluated: 2026-01-25. Review status: criteria provided, single submitter. Criteria: Invitae Variant Classification Sherloc (09022015). Collection method: clinical testing. Allele origin: germline.

All of Us Research Program, National Institutes of Health
Classification: Likely benign for Hypertrophic cardiomyopathy. Last evaluated: 2024-01-11. Review status: criteria provided, single submitter. Criteria: ACMG Guidelines, 2015. Collection method: clinical testing. Allele origin: germline. Inheritance: Autosomal dominant inheritance. Observed: 36 variant alleles, 36 heterozygotes.
Comment: This study involves interpretation of variants in research participants for the purpose of population health screening. Participant phenotype was not available at the time of variant classification. Additional details can be found in publication PMID: 35346344, PMCID: PMC8962531

Blueprint Genetics
Classification: Likely benign. Last evaluated: 2023-12-05. Review status: criteria provided, single submitter. Criteria: ACMG Guidelines, 2015. Collection method: clinical testing. Allele origin: germline.

Color Diagnostics, LLC DBA Color Health
Classification: Likely benign for Cardiomyopathy. Last evaluated: 2018-11-25. Review status: criteria provided, single submitter. Criteria: ACMG Guidelines, 2015. Collection method: clinical testing. Allele origin: germline.

Ambry Genetics
Classification: Likely benign for Cardiovascular phenotype. Last evaluated: 2018-08-30. Review status: criteria provided, single submitter. Criteria: Ambry Variant Classification Scheme 2023. Collection method: clinical testing. Allele origin: germline.

GeneDx
Classification: Benign. Last evaluated: 2015-03-03. Review status: criteria provided, single submitter. Criteria: GeneDx Variant Classification Process June 2021. Collection method: clinical testing. Allele origin: germline. Affected: yes.

Laboratory for Molecular Medicine, Mass General Brigham Personalized Medicine
Classification: Likely benign. Last evaluated: 2012-06-26. Review status: criteria provided, single submitter. Criteria: LMM Criteria. Collection method: clinical testing. Allele origin: germline. Observed: 4 variant alleles.
Comment: Ala242Ala in exon 8 of TPM1: This variant is not expected to have clinical signi ficance because it does not alter an amino acid residue and is not located withi n the splice consensus sequence. It has been identified in 3/8600 European Ameri can chromosomes from a broad population by the NHLBI Exome Sequencing Project (dbSNP rs63354798). Ala242Ala in exon 8 of TPM 1 (rs63354798; allele frequency= 3/8600) **

Breakthrough Genomics
Classification: Likely benign. Review status: criteria provided, single submitter. Criteria: ACMG Guidelines, 2015. Collection method: not provided. Allele origin: germline. Inheritance: Autosomal dominant inheritance. Affected: yes.

PreventionGenetics, part of Exact Sciences
Classification: Likely benign for TPM1-related condition. Last evaluated: 2019-03-27. Review status: no assertion criteria provided. Collection method: clinical testing. Allele origin: germline. Not counted in ClinVar's aggregate classification.
Comment: This variant is classified as likely benign based on ACMG/AMP sequence variant interpretation guidelines (Richards et al. 2015 PMID: 25741868, with internal and published modifications).

Clinical Genetics, Academic Medical Center
Classification: Benign. Review status: no assertion criteria provided. Collection method: clinical testing. Allele origin: germline. Affected: yes. Study: VKGL Data-share Consensus. Not counted in ClinVar's aggregate classification.

Diagnostic Laboratory, Department of Genetics, University Medical Center Groningen
Classification: Likely benign. Review status: no assertion criteria provided. Collection method: clinical testing. Allele origin: germline. Affected: yes. Study: VKGL Data-share Consensus. Not counted in ClinVar's aggregate classification.

NM_001018005.2(TPM1):c.726G>A (p.Ala242=)

Gene: TPM1 (tropomyosin 1; plus strand). Cytogenetic location: 15q22.2.
Variant type: single nucleotide variant.
Coding change: c.726G>A on transcript NM_001018005.2 (MANE Select); coding-DNA position 726, G replaced by A.
Protein change: p.Ala242=; no amino-acid change (alanine 242 retained).
Molecular consequence: synonymous variant.
Genome position (GRCh38, 1-based): chr15:63,062,599, G>A. VCF-style: chr15-63062599-G-A. GRCh37 (hg19) VCF-style: chr15-63354798-G-A.
Other names: c.726G>A (NM_001018020.1); c.726G>A, p.Ala242= (NM_000366.6, NM_001018004.2, NM_001018006.2 and 6 more transcripts); c.618G>A, p.Ala206= (NM_001018008.2, NM_001301289.2, NM_001330344.2 and 5 more transcripts); c.852G>A, p.Ala284= (NM_001365778.1).
Identifiers: ClinVar variation 43438 (VCV000043438.31), dbSNP rs200484871, ClinGen allele CA018304.